The following is an entry in ClinVar:

ClinVar aggregate classification (germline): Uncertain significance (1 of 4 stars; one submission).

Conditions:
Cardiovascular phenotype. Identifiers: MedGen CN230736.

Allele frequency attached by ClinVar (database versions not stated): gnomAD 0.00001; TOPMed 0.00004; ESP Exome Variant Server 0.00008.
gnomAD v4.1: 7 of 1,614,036 alleles (0.00043%); highest among the groups gnomAD compares: African/African-American, 0.0053%; no homozygotes.

Submission:

Ambry Genetics
Classification: Uncertain significance for Cardiovascular phenotype. Last evaluated: 2024-09-30. Review status: criteria provided, single submitter. Criteria: Ambry Variant Classification Scheme 2023. Collection method: clinical testing. Allele origin: germline.
Comment: The p.Q25K variant (also known as c.73C>A), located in coding exon 2 of the APOC2 gene, results from a C to A substitution at nucleotide position 73. The glutamine at codon 25 is replaced by lysine, an amino acid with similar properties. This amino acid position is conserved. In addition, this alteration is predicted to be tolerated by in silico analysis. Since supporting evidence is limited at this time, the clinical significance of this alteration remains unclear.

NM_000483.5(APOC2):c.73C>A (p.Gln25Lys)

Genes: APOC2 (apolipoprotein C2; plus strand), APOC4-APOC2 (APOC4-APOC2 readthrough (NMD candidate); plus strand). Cytogenetic location: 19q13.32.
Variant type: single nucleotide variant.
Coding change: c.73C>A on transcript NM_000483.5 (MANE Select); coding-DNA position 73, C replaced by A.
Protein change: p.Gln25Lys; replaces glutamine 25 with lysine.
Molecular consequence: missense variant. On other transcripts: non-coding transcript variant (1).
Genome position (GRCh38, 1-based): chr19:44,948,718, C>A. VCF-style: chr19-44948718-C-A. GRCh37 (hg19) VCF-style: chr19-45451975-C-A.
Other names: short protein forms Q25K.
Identifiers: ClinVar variation 1758714 (VCV001758714.3), dbSNP rs144145394, ClinGen allele CA308875710.